The following is an entry in ClinVar:

ClinVar aggregate classification (germline): Uncertain significance. Review status: criteria provided, multiple submitters, no conflicts (2 of 4 stars). 5 submissions from 3 submitters: Uncertain significance (5). Last evaluated 2022-06-14.

Conditions:
Charcot-Marie-Tooth disease axonal type 2X. Also called: CHARCOT-MARIE-TOOTH DISEASE, AXONAL, AUTOSOMAL RECESSIVE, TYPE 2X; CHARCOT-MARIE-TOOTH NEUROPATHY, TYPE 2X. Identifiers: Orphanet 466775, MedGen C5569024, MONDO:0014726, OMIM 616668.
Hereditary spastic paraplegia 11. Also called: Nakamura Osame syndrome; Autosomal recessive hereditary spastic paraplegia, mental impairment, and thin corpus callosum; SPASTIC PARAPLEGIA, AUTOSOMAL RECESSIVE, COMPLICATED, WITH THIN CORPUS CALLOSUM; SPASTIC PARAPLEGIA, AUTOSOMAL RECESSIVE, WITH MENTAL IMPAIRMENT AND THIN CORPUS CALLOSUM; Spastic paraplegia, mental retardation and thin corpus callosum; Spastic Paraplegia 11. Identifiers: Orphanet 2822, MedGen C1858479, MONDO:0011445, OMIM 604360.
Amyotrophic lateral sclerosis type 5 (ALS5). Also called: AMYOTROPHIC LATERAL SCLEROSIS 5, JUVENILE. Identifiers: Orphanet 300605, MedGen C1865864, MONDO:0011196, OMIM 602099.

Allele frequency attached by ClinVar (database versions not stated): gnomAD exomes below 0.00001.
gnomAD v4.1: 1 of 1,541,170 alleles (0.000065%); highest among the groups gnomAD compares: Non-Finnish European, 0.00009%; no homozygotes.

Submissions (5):

Labcorp Genetics (formerly Invitae), Labcorp
Classification: Uncertain significance for Hereditary spastic paraplegia 11. Last evaluated: 2022-06-14. Review status: criteria provided, single submitter. Criteria: Invitae Variant Classification Sherloc (09022015). Collection method: clinical testing. Allele origin: germline.
Comment: This sequence change falls in intron 16 of the SPG11 gene. It does not directly change the encoded amino acid sequence of the SPG11 protein. In summary, the available evidence is currently insufficient to determine the role of this variant in disease. Therefore, it has been classified as a Variant of Uncertain Significance. Algorithms developed to predict the effect of sequence changes on RNA splicing suggest that this variant may disrupt the consensus splice site. ClinVar contains an entry for this variant (Variation ID: 579203). This variant has not been reported in the literature in individuals affected with SPG11-related conditions. This variant is not present in population databases (gnomAD no frequency).

GeneDx
Classification: Uncertain significance. Last evaluated: 2020-10-20. Review status: criteria provided, single submitter. Criteria: GeneDx Variant Classification Process June 2021. Collection method: clinical testing. Allele origin: germline. Affected: yes.
Comment: Not observed in large population cohorts (Lek et al., 2016); Has not been previously published as pathogenic or benign to our knowledge; In-silico analysis, which includes splice predictors and evolutionary conservation, is inconclusive as to whether the variant alters gene splicing. In the absence of RNA/functional studies, the actual effect of this sequence change is unknown

Genome-Nilou Lab
Classification: Uncertain significance for Amyotrophic lateral sclerosis type 5. Review status: criteria provided, single submitter. Criteria: ACMG Guidelines, 2015. Collection method: clinical testing. Allele origin: germline.

Genome-Nilou Lab
Classification: Uncertain significance for Charcot-Marie-Tooth disease axonal type 2X. Review status: criteria provided, single submitter. Criteria: ACMG Guidelines, 2015. Collection method: clinical testing. Allele origin: germline.

Genome-Nilou Lab
Classification: Uncertain significance for Hereditary spastic paraplegia 11. Review status: criteria provided, single submitter. Criteria: ACMG Guidelines, 2015. Collection method: clinical testing. Allele origin: germline.

NM_025137.4(SPG11):c.3039-10T>G

Gene: SPG11 (SPG11 vesicle trafficking associated, spatacsin; minus strand). Cytogenetic location: 15q21.1.
Variant type: single nucleotide variant.
Coding change: c.3039-10T>G on transcript NM_025137.4 (MANE Select); 10 bases into the intron before coding-DNA position 3039, T replaced by G.
Molecular consequence: intron variant.
Genome position (GRCh38, 1-based): chr15:44,613,546, A>C on the plus strand (T>G on the coding strand, the complement: SPG11 is on the minus strand). VCF-style: chr15-44613546-A-C. GRCh37 (hg19) VCF-style: chr15-44905744-A-C.
Other names: c.3039-10T>G (NM_001160227.2).
Identifiers: ClinVar variation 579203 (VCV000579203.11), dbSNP rs1567163243, ClinGen allele CA891844052.